The following is an entry in ClinVar:

ClinVar aggregate classification (germline): Pathogenic (1 of 4 stars; one submission).

Conditions:
Non-acquired combined pituitary hormone deficiency with spine abnormalities (CPHD3). Also called: Combined pituitary hormone deficiency type 3; Winkelman Bethge Pfeiffer syndrome; WBP syndrome. Identifiers: Orphanet 231720, MedGen C3489787, MONDO:0009091, OMIM 221750.

Submission:

Natera, Inc.
Classification: Pathogenic for Combined pituitary hormone deficiency type 3. Last evaluated: 2025-02-11. Review status: criteria provided, single submitter. Criteria: Natera Variant Classification Schema (03/2026). Collection method: clinical testing. Allele origin: germline.
Comment: The c.466C>T variant in LHX3 is a nonsense variant predicted to introduce a stop codon at amino acid 156. This variant is expected to result in nonsense mediated decay, truncation, or a dysfunctional protein product. This variant is rare in the general population with a frequency below the threshold expected for the associated phenotype(s). This variant has been observed in one or more individuals affected with the associated recessive disease, as either homozygous or compound heterozygous with a second variant (PMID: 28302169). Given the available evidence, this variant is classified as Pathogenic.

Literature cited by the submitters: PubMed 28302169.

NM_178138.6(LHX3):c.451C>T (p.Arg151Ter)

Gene: LHX3 (LIM homeobox 3; minus strand). Cytogenetic location: 9q34.3.
Variant type: single nucleotide variant.
Coding change: c.451C>T on transcript NM_178138.6 (MANE Select); coding-DNA position 451, C replaced by T.
Protein change: p.Arg151Ter; replaces arginine 151 with a stop codon.
Molecular consequence: nonsense.
Genome position (GRCh38, 1-based): chr9:136,199,681, G>A on the plus strand (C>T on the coding strand, the complement: LHX3 is on the minus strand). VCF-style: chr9-136199681-G-A. GRCh37 (hg19) VCF-style: chr9-139091527-G-A.
Other names: c.418C>T, p.Arg140Ter (NM_001363746.1); c.466C>T, p.Arg156Ter (NM_014564.5); short protein forms R140*, R151*, R156*.
Identifiers: ClinVar variation 4069850 (VCV004069850.2).